The following is an entry in ClinVar:

NM_020365.5(EIF2B3):c.189A>T (p.Leu63=)

Gene: EIF2B3 (eukaryotic translation initiation factor 2B subunit gamma; minus strand). Cytogenetic location: 1p34.1.
Variant type: single nucleotide variant.
Coding change: c.189A>T on transcript NM_020365.5 (MANE Select); coding-DNA position 189, A replaced by T.
Protein change: p.Leu63=; no amino-acid change (leucine 63 retained).
Molecular consequence: synonymous variant.
Genome position (GRCh38, 1-based): chr1:44,978,420, T>A on the plus strand (A>T on the coding strand, the complement: EIF2B3 is on the minus strand). VCF-style: chr1-44978420-T-A. GRCh37 (hg19) VCF-style: chr1-45444092-T-A.
Other names: c.189A>T, p.Leu63= (NM_001166588.3, NM_001261418.2).
Identifiers: ClinVar variation 297448 (VCV000297448.41), dbSNP rs142753066, ClinGen allele CA824084.

ClinVar aggregate classification (germline): Benign/Likely benign. Review status: criteria provided, multiple submitters, no conflicts (2 of 4 stars). 5 submissions from 5 submitters: Benign (1); Likely benign (3). 1 of the submissions does not count toward it. Last evaluated 2026-02-04.

Conditions:
EIF2B3-related disorder. Also called: EIF2B3-related condition.
Vanishing white matter disease. Also called: CACH syndrome; Childhood ataxia with diffuse central nervous system hypomyelination; Leukoencephalopathy with vanishing white matter; CACH/VWM syndrome; Cree leukoencehalopathy. Identifiers: Orphanet 135, Orphanet 99853, MedGen C1858991, MONDO:0800448.

Allele frequency attached by ClinVar (database versions not stated): 1000 Genomes Project 0.00040; 1000 Genomes Project 30x 0.00047; TOPMed 0.00184; gnomAD 0.00238 and 0.00248; ESP Exome Variant Server 0.00300.
gnomAD v4.1: 5,521 of 1,613,788 alleles (0.34%); highest among the groups gnomAD compares: Non-Finnish European, 0.42%; 14 homozygotes.

Submissions (5):

Labcorp Genetics (formerly Invitae), Labcorp
Classification: Benign. Last evaluated: 2026-02-04. Review status: criteria provided, single submitter. Criteria: Invitae Variant Classification Sherloc (09022015). Collection method: clinical testing. Allele origin: germline.

CeGaT Center for Human Genetics Tuebingen
Classification: Likely benign. Last evaluated: 2024-12-01. Review status: criteria provided, single submitter. Criteria: CeGaT Center For Human Genetics Tuebingen Variant Classification Criteria Version 2. Collection method: clinical testing. Allele origin: germline. Affected: yes. Observed: 8 variant alleles.
Comment: EIF2B3: BP4, BP7

Blueprint Genetics
Classification: Likely benign. Last evaluated: 2024-11-25. Review status: criteria provided, single submitter. Criteria: ACMG Guidelines, 2015. Collection method: clinical testing. Allele origin: germline.

Illumina Laboratory Services, Illumina
Classification: Likely benign for Leukoencephalopathy with vanishing white matter 1. Last evaluated: 2018-01-12. Review status: criteria provided, single submitter. Criteria: ICSL Variant Classification Criteria 13 December 2019. Collection method: clinical testing. Allele origin: germline.
Comment: This variant was observed in the ICSL laboratory as part of a predisposition screen in an ostensibly healthy population. It had not been previously curated by ICSL or reported in the Human Gene Mutation Database (HGMD: prior to June 1st, 2018), and was therefore a candidate for classification through an automated scoring system. Utilizing variant allele frequency, disease prevalence and penetrance estimates, and inheritance mode, an automated score was calculated to assess if this variant is too frequent to cause the disease. Based on the score and internal cut-off values, a variant classified as likely benign is not then subjected to further curation. The score for this variant resulted in a classification of likely benign for this disease.

PreventionGenetics, part of Exact Sciences
Classification: Benign for EIF2B3-related condition. Last evaluated: 2024-07-03. Review status: no assertion criteria provided. Collection method: clinical testing. Allele origin: germline. Not counted in ClinVar's aggregate classification.
Comment: This variant is classified as benign based on ACMG/AMP sequence variant interpretation guidelines (Richards et al. 2015 PMID: 25741868, with internal and published modifications).